The following is an entry in ClinVar:

NM_003680.4(YARS1):c.1285C>T (p.Gln429Ter)

Gene: YARS1 (tyrosyl-tRNA synthetase 1; minus strand). Cytogenetic location: 1p35.1.
Variant type: single nucleotide variant.
Coding change: c.1285C>T on transcript NM_003680.4 (MANE Select); coding-DNA position 1285, C replaced by T.
Protein change: p.Gln429Ter; replaces glutamine 429 with a stop codon.
Molecular consequence: nonsense.
Genome position (GRCh38, 1-based): chr1:32,780,134, G>A on the plus strand (C>T on the coding strand, the complement: YARS1 is on the minus strand). VCF-style: chr1-32780134-G-A. GRCh37 (hg19) VCF-style: chr1-33245735-G-A.
Other names: short protein forms Q429*.
Identifiers: ClinVar variation 2982074 (VCV002982074.3), dbSNP rs2523351252, ClinGen allele CA339681340.

ClinVar aggregate classification (germline): Uncertain significance (1 of 4 stars; one submission).

Conditions:
Charcot-Marie-Tooth disease dominant intermediate C (CMTDIC). Also called: CHARCOT-MARIE-TOOTH NEUROPATHY, DOMINANT INTERMEDIATE C. Identifiers: Orphanet 100045, MedGen C1842237, MONDO:0012012, OMIM 608323.

Allele frequency attached by ClinVar (database versions not stated): gnomAD exomes below 0.00001.
gnomAD v4.1: 1 of 1,614,082 alleles (0.000062%); highest among the groups gnomAD compares: East Asian, 0.0022%; no homozygotes.

Submission:

Labcorp Genetics (formerly Invitae), Labcorp
Classification: Uncertain significance for Charcot-Marie-Tooth disease dominant intermediate C. Last evaluated: 2024-01-16. Review status: criteria provided, single submitter. Criteria: Invitae Variant Classification Sherloc (09022015). Collection method: clinical testing. Allele origin: germline.
Comment: This sequence change creates a premature translational stop signal (p.Gln429*) in the YARS gene. It is expected to result in an absent or disrupted protein product. However, the current clinical and genetic evidence is not sufficient to establish whether loss-of-function variants in YARS cause disease. This variant is not present in population databases (gnomAD no frequency). This variant has not been reported in the literature in individuals affected with YARS-related conditions. In summary, the available evidence is currently insufficient to determine the role of this variant in disease. Therefore, it has been classified as a Variant of Uncertain Significance.